The following is an entry in ClinVar:

ClinVar aggregate classification (germline): Uncertain significance. Review status: criteria provided, multiple submitters, no conflicts (2 of 4 stars). 2 submissions from 2 submitters: Uncertain significance (2). Last evaluated 2026-04-23.

Conditions:
Inborn genetic diseases. Identifiers: MedGen C0950123, MeSH D030342.
Monocytopenia with susceptibility to infections. Also called: Dendritic cell, monocyte, B lymphocyte, and natural killer lymphocyte deficiency; MONOCYTOPENIA AND MYCOBACTERIAL INFECTION SYNDROME; MONOCYTOPENIA WITH SUSCEPTIBILITY TO MYCOBACTERIAL, FUNGAL, AND PAPILLOMAVIRUS INFECTIONS AND MYELODYSPLASIA; COMBINED IMMUNODEFICIENCY WITH SUSCEPTIBILITY TO MYCOBACTERIAL, VIRAL, AND FUNGAL INFECTIONS; GATA2 DEFICIENCY; IMMUNODEFICIENCY 21. Identifiers: Orphanet 228423, MedGen C3280030, MONDO:0013607, OMIM 614172.
Deafness-lymphedema-leukemia syndrome. Also called: Emberger syndrome; Lymphedema, primary, with myelodysplasia. Identifiers: Orphanet 3226, MedGen C3279664, MONDO:0013540, OMIM 614038.

Allele frequency attached by ClinVar (database versions not stated): TOPMed below 0.00001; gnomAD 0.00001.
gnomAD v4.1: 4 of 1,614,124 alleles (0.00025%); highest among the groups gnomAD compares: African/African-American, 0.0013%; no homozygotes.

Submissions (2):

Ambry Genetics
Classification: Uncertain significance for Inborn genetic diseases. Last evaluated: 2026-04-23. Review status: criteria provided, single submitter. Criteria: Ambry Variant Classification Scheme 2023. Collection method: clinical testing. Allele origin: germline.
Comment: The p.K405N variant (also known as c.1215G>C), located in coding exon 5 of the GATA2 gene, results from a G to C substitution at nucleotide position 1215. The lysine at codon 405 is replaced by asparagine, an amino acid with similar properties. This amino acid position is highly conserved in available vertebrate species. In addition, the in silico prediction for this alteration is inconclusive. Based on the available evidence, the clinical significance of this variant remains unclear.

Labcorp Genetics (formerly Invitae), Labcorp
Classification: Uncertain significance for Monocytopenia with susceptibility to infections; Deafness-lymphedema-leukemia syndrome. Last evaluated: 2023-02-06. Review status: criteria provided, single submitter. Criteria: Invitae Variant Classification Sherloc (09022015). Collection method: clinical testing. Allele origin: germline.
Comment: This missense change has been observed in individual(s) with lymphedema (PMID: 29906362). Advanced modeling of protein sequence and biophysical properties (such as structural, functional, and spatial information, amino acid conservation, physicochemical variation, residue mobility, and thermodynamic stability) performed at Invitae indicates that this missense variant is expected to disrupt GATA2 protein function. This sequence change replaces lysine, which is basic and polar, with asparagine, which is neutral and polar, at codon 405 of the GATA2 protein (p.Lys405Asn). This variant is present in population databases (rs779797858, gnomAD 0.004%). In summary, the available evidence is currently insufficient to determine the role of this variant in disease. Therefore, it has been classified as a Variant of Uncertain Significance.

Literature cited by the submitters: PubMed 29906362 (cited by Labcorp Genetics (formerly Invitae), Labcorp).

NM_032638.5(GATA2):c.1215G>C (p.Lys405Asn)

Gene: GATA2 (GATA binding protein 2; minus strand). Cytogenetic location: 3q21.3.
Variant type: single nucleotide variant.
Coding change: c.1215G>C on transcript NM_032638.5 (MANE Select); coding-DNA position 1215, G replaced by C.
Protein change: p.Lys405Asn; replaces lysine 405 with asparagine.
Molecular consequence: missense variant.
Genome position (GRCh38, 1-based): chr3:128,481,247, C>G on the plus strand (G>C on the coding strand, the complement: GATA2 is on the minus strand). VCF-style: chr3-128481247-C-G. GRCh37 (hg19) VCF-style: chr3-128200090-C-G.
Other names: c.1215G>C, p.Lys405Asn (NM_001145661.2); c.1173G>C, p.Lys391Asn (NM_001145662.1); short protein forms K405N, K391N.
Identifiers: ClinVar variation 2936159 (VCV002936159.4), dbSNP rs779797858, ClinGen allele CA2599818.